The following is an entry in ClinVar:

NM_006129.5(BMP1):c.2188C>T (p.Arg730Cys)

Gene: BMP1 (bone morphogenetic protein 1; plus strand). Cytogenetic location: 8p21.3.
Variant type: single nucleotide variant.
Coding change: c.2188C>T on transcript NM_006129.5 (MANE Select); coding-DNA position 2188, C replaced by T.
Protein change: p.Arg730Cys; replaces arginine 730 with cysteine.
Molecular consequence: missense variant. On other transcripts: non-coding transcript variant (1).
Genome position (GRCh38, 1-based): chr8:22,201,883, C>T. VCF-style: chr8-22201883-C-T. GRCh37 (hg19) VCF-style: chr8-22059396-C-T.
Other names: short protein forms R730C.
Identifiers: ClinVar variation 3897402 (VCV003897402.2).

ClinVar aggregate classification (germline): Uncertain significance. Review status: criteria provided, multiple submitters, no conflicts (2 of 4 stars). 2 submissions from 2 submitters: Uncertain significance (2). Last evaluated 2026-08-06.

gnomAD v4.1: 7 of 1,613,722 alleles (0.00043%); highest among the groups gnomAD compares: East Asian, 0.0022%; no homozygotes.

Submissions (2):

OLLIN Analises Genomicas, OLLIN
Classification: Uncertain significance. Last evaluated: 2026-08-06. Review status: criteria provided, single submitter. Criteria: ACMG Guidelines 2015 PMID 25741868. Collection method: clinical testing. Allele origin: germline.
Comment: This missense variant, located in exon 16 (of 20), has been reported in ClinVar (accession VCV003897402.1) and in gnomAD with an allele frequency of 0.00043%. However, to our knowledge, it has not been reported in the scientific literature. In silico analysis predicts that this variant has a deleterious effect. According to the currently available evidence, this variant has been classified as uncertain significance (PM2_P, PP3).

GeneDx
Classification: Uncertain significance. Last evaluated: 2024-11-01. Review status: criteria provided, single submitter. Criteria: GeneDx Variant Classification Process June 2021. Collection method: clinical testing. Allele origin: germline. Affected: yes.
Comment: Not observed at significant frequency in large population cohorts (gnomAD); In silico analysis supports that this missense variant has a deleterious effect on protein structure/function; Has not been previously published as pathogenic or benign to our knowledge